The following is an entry in ClinVar:

NM_003816.3(ADAM9):c.1033G>A (p.Val345Ile)

Gene: ADAM9 (ADAM metallopeptidase domain 9; plus strand). Cytogenetic location: 8p11.22.
Variant type: single nucleotide variant.
Coding change: c.1033G>A on transcript NM_003816.3 (MANE Select); coding-DNA position 1033, G replaced by A.
Protein change: p.Val345Ile; replaces valine 345 with isoleucine.
Molecular consequence: missense variant. On other transcripts: non-coding transcript variant (3).
Genome position (GRCh38, 1-based): chr8:39,026,713, G>A. VCF-style: chr8-39026713-G-A. GRCh37 (hg19) VCF-style: chr8-38884232-G-A.
Other names: short protein forms V345I.
Identifiers: ClinVar variation 959445 (VCV000959445.9), dbSNP rs150830466, ClinGen allele CA4721516.
Genomic context (GRCh38, chr8:39,026,713, plus strand): 5'-TTACTACCTTCCTGTTCTGAACAGTTTGGACAAATCACTGTGGAGACATTTGCTTCCATT[G>A]TTGCTCATGAATTGGGTCATAATCTTGGAATGAATCACGATGATGGGAGAGATTGTTCCT-3'
Protein context (NP_003807.1, residues 335-355): QITVETFASI[Val345Ile]AHELGHNLGM

ClinVar aggregate classification (germline): Uncertain significance. Review status: criteria provided, multiple submitters, no conflicts (2 of 4 stars). 3 submissions from 3 submitters: Uncertain significance (3). Last evaluated 2025-02-10.

Conditions:
Inborn genetic diseases. Identifiers: MedGen C0950123, MeSH D030342.

Allele frequency attached by ClinVar (database versions not stated): gnomAD exomes 0.00001; ExAC 0.00002; TOPMed 0.00006; gnomAD 0.00007; ESP Exome Variant Server 0.00008; 1000 Genomes Project 30x 0.00016; 1000 Genomes Project 0.00020.
gnomAD v4.1: 33 of 1,614,130 alleles (0.002%); highest among the groups gnomAD compares: African/African-American, 0.035%; 1 homozygote.

Submissions (3):

Labcorp Genetics (formerly Invitae), Labcorp
Classification: Uncertain significance. Last evaluated: 2025-02-10. Review status: criteria provided, single submitter. Criteria: Invitae Variant Classification Sherloc (09022015). Collection method: clinical testing. Allele origin: germline.
Comment: This sequence change replaces valine, which is neutral and non-polar, with isoleucine, which is neutral and non-polar, at codon 345 of the ADAM9 protein (p.Val345Ile). This variant is present in population databases (rs150830466, gnomAD 0.008%). This variant has not been reported in the literature in individuals affected with ADAM9-related conditions. ClinVar contains an entry for this variant (Variation ID: 959445). Invitae Evidence Modeling of protein sequence and biophysical properties (such as structural, functional, and spatial information, amino acid conservation, physicochemical variation, residue mobility, and thermodynamic stability) indicates that this missense variant is not expected to disrupt ADAM9 protein function with a negative predictive value of 80%. In summary, the available evidence is currently insufficient to determine the role of this variant in disease. Therefore, it has been classified as a Variant of Uncertain Significance.

Blueprint Genetics
Classification: Uncertain significance. Last evaluated: 2024-09-23. Review status: criteria provided, single submitter. Criteria: ACMG Guidelines, 2015. Collection method: clinical testing. Allele origin: germline.

Ambry Genetics
Classification: Uncertain significance for Inborn genetic diseases. Last evaluated: 2024-04-22. Review status: criteria provided, single submitter. Criteria: Ambry Variant Classification Scheme 2023. Collection method: clinical testing. Allele origin: germline.